The following is an entry in ClinVar:

ClinVar aggregate classification (germline): Uncertain significance. Review status: criteria provided, multiple submitters, no conflicts (2 of 4 stars). 2 submissions from 2 submitters: Uncertain significance (2). Last evaluated 2022-09-24.

Conditions:
Nemaline myopathy 2 (NEM2). Also called: Nemaline myopathy 2, autosomal recessive. Identifiers: MedGen C1850569, MONDO:0009725, OMIM 256030.

gnomAD v4.1: 18 of 1,463,810 alleles (0.0012%); highest among the groups gnomAD compares: African/African-American, 0.0043%; no homozygotes.

Submissions (2):

Labcorp Genetics (formerly Invitae), Labcorp
Classification: Uncertain significance for Nemaline myopathy 2. Last evaluated: 2022-09-24. Review status: criteria provided, single submitter. Criteria: Invitae Variant Classification Sherloc (09022015). Collection method: clinical testing. Allele origin: germline.
Comment: This sequence change replaces serine, which is neutral and polar, with leucine, which is neutral and non-polar, at codon 8073 of the NEB protein (p.Ser8073Leu). The frequency data for this variant in the population databases is considered unreliable, as metrics indicate poor data quality at this position in the gnomAD database. This variant has not been reported in the literature in individuals affected with NEB-related conditions. ClinVar contains an entry for this variant (Variation ID: 1684944). Algorithms developed to predict the effect of missense changes on protein structure and function are either unavailable or do not agree on the potential impact of this missense change (SIFT: "Deleterious"; PolyPhen-2: "Not Available"; Align-GVGD: "Class C0"). Algorithms developed to predict the effect of sequence changes on RNA splicing suggest that this variant may disrupt the consensus splice site. In summary, the available evidence is currently insufficient to determine the role of this variant in disease. Therefore, it has been classified as a Variant of Uncertain Significance.

Mendelics
Classification: Uncertain significance. Last evaluated: 2022-05-04. Review status: criteria provided, single submitter. Criteria: Mendelics Assertion Criteria 2019. Collection method: clinical testing. Allele origin: germline.

NM_001164508.2(NEB):c.24113C>T (p.Ser8038Leu)

Genes: NEB (nebulin; minus strand), RIF1 (replication timing regulatory factor 1; plus strand). Cytogenetic location: 2q23.3.
Variant type: single nucleotide variant.
Coding change: c.24113C>T on transcript NM_001164508.2 (MANE Select); coding-DNA position 24113, C replaced by T.
Protein change: p.Ser8038Leu; replaces serine 8038 with leucine.
Molecular consequence: missense variant. On other transcripts: intron variant (1).
Genome position (GRCh38, 1-based): chr2:151,499,299, G>A on the plus strand (C>T on the coding strand, the complement: NEB is on the minus strand). VCF-style: chr2-151499299-G-A. GRCh37 (hg19) VCF-style: chr2-152355813-G-A.
Other names: c.24113C>T, p.Ser8038Leu (NM_001164507.2); c.24218C>T, p.Ser8073Leu (NM_001271208.2); c.18826-2931C>T (NM_004543.5); short protein forms S8038L, S8073L.
Identifiers: ClinVar variation 1684944 (VCV001684944.3), dbSNP rs1458048713, ClinGen allele CA348779350.
Genomic context (GRCh38, chr2:151,499,299, plus strand): 5'-CCATTAATCTTTTTAAACATTTTTTTAAATAATTAAAGGGATTTTTTATTTTTAAATACC[G>A]AACTAAAGTTTTCTTGATTGTGTTTGACTCTCTCCATCTCTGGAGTGATGGGGATTGGAA-3'
Protein context (NP_001157980.2, residues 8028-8048): RVKHNQENFS[Ser8038Leu]VLYKENLGTG